The following is an entry in ClinVar:

ClinVar aggregate classification (germline): Uncertain significance (1 of 4 stars; one submission).

Conditions:
Carney-Stratakis syndrome. Also called: PARAGANGLIOMA AND GASTROINTESTINAL STROMAL TUMOR. Identifiers: Orphanet 97286, MedGen C1847319, MONDO:0011740, OMIM 606864.
Pheochromocytoma. Also called: MAX-Related Hereditary Paraganglioma-Pheochromocytoma Syndrome. Identifiers: Orphanet 29072, MedGen C0031511, MONDO:0008233, OMIM 171300, HP:0002666.
Paragangliomas with sensorineural hearing loss. Identifiers: MedGen C1868633.
Cowden syndrome 3 (CWS3). Identifiers: Orphanet 201, MedGen CN166604, MONDO:0014045.

Submission:

Labcorp Genetics (formerly Invitae), Labcorp
Classification: Uncertain significance for Carney-Stratakis syndrome; Paragangliomas with sensorineural hearing loss; Pheochromocytoma; Cowden syndrome 3. Last evaluated: 2021-11-11. Review status: criteria provided, single submitter. Criteria: Invitae Variant Classification Sherloc (09022015). Collection method: clinical testing. Allele origin: germline.
Comment: A copy number gain of the genomic region encompassing the full coding sequence of the SDHD gene has been identified. The boundaries of this event are unknown as they extend beyond the assayed region for this gene and therefore may encompass additional genes. As the precise location of this event is unknown, it may be in tandem or it may be located elsewhere in the genome. This variant has not been reported in the literature in individuals affected with SDHD-related conditions. In summary, the available evidence is currently insufficient to determine the role of this variant in disease. Therefore, it has been classified as a Variant of Uncertain Significance.

NC_000011.9:g.(?_111957632)_(111965694_?)dup

Gene: SDHD (succinate dehydrogenase complex subunit D; plus strand). Cytogenetic location: 11q23.1.
Variant type: Duplication.
Identifiers: ClinVar variation 1400128 (VCV001400128.1).